The following is an entry in ClinVar:

ClinVar aggregate classification (germline): Uncertain significance (1 of 4 stars; one submission).

Submission:

Labcorp Genetics (formerly Invitae), Labcorp
Classification: Uncertain significance. Last evaluated: 2023-01-01. Review status: criteria provided, single submitter. Criteria: Invitae Variant Classification Sherloc (09022015). Collection method: clinical testing. Allele origin: germline.
Comment: In summary, the available evidence is currently insufficient to determine the role of this variant in disease. Therefore, it has been classified as a Variant of Uncertain Significance. Algorithms developed to predict the effect of missense changes on protein structure and function are either unavailable or do not agree on the potential impact of this missense change (SIFT: "Tolerated"; PolyPhen-2: "Probably Damaging"; Align-GVGD: "Class C0"). This variant has not been reported in the literature in individuals affected with PAFAH1B1-related conditions. This variant is not present in population databases (gnomAD no frequency). This sequence change replaces cysteine, which is neutral and slightly polar, with tyrosine, which is neutral and polar, at codon 409 of the PAFAH1B1 protein (p.Cys409Tyr).

NM_000430.4(PAFAH1B1):c.1226G>A (p.Cys409Tyr)

Gene: PAFAH1B1 (platelet activating factor acetylhydrolase 1b regulatory subunit 1; plus strand). Cytogenetic location: 17p13.3.
Variant type: single nucleotide variant.
Coding change: c.1226G>A on transcript NM_000430.4 (MANE Select); coding-DNA position 1226, G replaced by A.
Protein change: p.Cys409Tyr; replaces cysteine 409 with tyrosine.
Molecular consequence: missense variant.
Genome position (GRCh38, 1-based): chr17:2,681,795, G>A. VCF-style: chr17-2681795-G-A. GRCh37 (hg19) VCF-style: chr17-2585089-G-A.
Other names: short protein forms C409Y.
Identifiers: ClinVar variation 2825839 (VCV002825839.3), dbSNP rs2544125000, ClinGen allele CA397643182.
Genomic context (GRCh38, chr17:2,681,795, plus strand): 5'-ACAAGACGGCACCCTATGTCGTCACTGGCAGCGTAGATCAAACAGTAAAAGTGTGGGAGT[G>A]CCGTTGATTGTGTCTCCTTCGGCCCCTCCTCCCTCTTTTCCTCTGGATGCACTCTGATGA-3'
Protein context (NP_000421.1, residues 399-410): SVDQTVKVWE[Cys409Tyr]R